The following is an entry in ClinVar:

NM_001005498.4(RHBDF2):c.883G>A (p.Ala295Thr)

Gene: RHBDF2 (rhomboid 5 homolog 2; minus strand). Cytogenetic location: 17q25.1.
Variant type: single nucleotide variant.
Coding change: c.883G>A on transcript NM_001005498.4 (MANE Select); coding-DNA position 883, G replaced by A.
Protein change: p.Ala295Thr; replaces alanine 295 with threonine.
Molecular consequence: missense variant. On other transcripts: non-coding transcript variant (3).
Genome position (GRCh38, 1-based): chr17:76,477,217, C>T on the plus strand (G>A on the coding strand, the complement: RHBDF2 is on the minus strand). VCF-style: chr17-76477217-C-T. GRCh37 (hg19) VCF-style: chr17-74473299-C-T.
Other names: c.883G>A, p.Ala295Thr (NM_001376228.1, NM_001376229.1, NM_001376230.1); c.970G>A, p.Ala324Thr (NM_024599.5); short protein forms A295T, A324T.
Identifiers: ClinVar variation 4745432 (VCV004745432.1).

ClinVar aggregate classification (germline): Uncertain significance (1 of 4 stars; one submission).

Submission:

Labcorp Genetics (formerly Invitae), Labcorp
Classification: Uncertain significance. Last evaluated: 2025-11-30. Review status: criteria provided, single submitter. Criteria: Invitae Variant Classification Sherloc (09022015). Collection method: clinical testing. Allele origin: germline.
Comment: This sequence change replaces alanine, which is neutral and non-polar, with threonine, which is neutral and polar, at codon 324 of the RHBDF2 protein (p.Ala324Thr). This variant is present in population databases (rs376983506, gnomAD 0.003%). This variant has not been reported in the literature in individuals affected with RHBDF2-related conditions. An algorithm developed to predict the effect of missense changes on protein structure and function (PolyPhen-2) suggests that this variant is likely to be tolerated. In summary, the available evidence is currently insufficient to determine the role of this variant in disease. Therefore, it has been classified as a Variant of Uncertain Significance.